The following is an entry in ClinVar:

NM_001136472.2(LITAF):c.410G>A (p.Cys137Tyr)

Gene: LITAF (lipopolysaccharide induced TNF factor; minus strand). Cytogenetic location: 16p13.13.
Variant type: single nucleotide variant.
Coding change: c.410G>A on transcript NM_001136472.2 (MANE Select); coding-DNA position 410, G replaced by A.
Protein change: p.Cys137Tyr; replaces cysteine 137 with tyrosine.
Molecular consequence: missense variant. On other transcripts: 3 prime UTR variant (1), non-coding transcript variant (1).
Genome position (GRCh38, 1-based): chr16:11,549,713, C>T on the plus strand (G>A on the coding strand, the complement: LITAF is on the minus strand). VCF-style: chr16-11549713-C-T. GRCh37 (hg19) VCF-style: chr16-11643569-C-T.
Other names: c.*49G>A (NM_001136473.1); c.410G>A, p.Cys137Tyr (NM_004862.4); short protein forms C137Y.
Identifiers: ClinVar variation 582795 (VCV000582795.11), dbSNP rs144232569, ClinGen allele CA7904026.
Genomic context (GRCh38, chr16:11,549,713, plus strand): 5'-GTGCCCAGGAGAGCTCTGCAGTTGGGACAGTAATGGTCCACGTCCTGCAGGGCATCCACG[C>T]AGAAGGGGATGAAGCAGCAGCCCGCTATGCACCTGGGAGGAGAGAGAGACACACGGAGCG-3'
Protein context (NP_001129944.1, residues 127-147): CIAGCCFIPF[Cys137Tyr]VDALQDVDHY

ClinVar aggregate classification (germline): Uncertain significance. Review status: criteria provided, multiple submitters, no conflicts (2 of 4 stars). 2 submissions from 2 submitters: Uncertain significance (2). Last evaluated 2025-08-26.

Conditions:
Inborn genetic diseases. Identifiers: MedGen C0950123, MeSH D030342.
Charcot-Marie-Tooth disease type 1C. Also called: HMSN IC; Charcot-Marie-Tooth disease, type IC; CMT, SLOW NERVE CONDUCTION TYPE C; CHARCOT-MARIE-TOOTH NEUROPATHY, TYPE 1C; NEUROPATHY, HEREDITARY MOTOR AND SENSORY, TYPE IC; CHARCOT-MARIE-TOOTH DISEASE, DEMYELINATING, TYPE 1C. Identifiers: Orphanet 101083, MedGen C0270913, MONDO:0010995, OMIM 601098.

Allele frequency attached by ClinVar (database versions not stated): gnomAD 0.00002; gnomAD exomes 0.00002 and 0.00005; TOPMed 0.00003; ExAC 0.00004; ESP Exome Variant Server 0.00015.
gnomAD v4.1: 74 of 1,613,592 alleles (0.0046%); highest among the groups gnomAD compares: Non-Finnish European, 0.0057%; no homozygotes.

Submissions (2):

Labcorp Genetics (formerly Invitae), Labcorp
Classification: Uncertain significance for Charcot-Marie-Tooth disease type 1C. Last evaluated: 2025-08-26. Review status: criteria provided, single submitter. Criteria: Invitae Variant Classification Sherloc (09022015). Collection method: clinical testing. Allele origin: germline.
Comment: This sequence change replaces cysteine, which is neutral and slightly polar, with tyrosine, which is neutral and polar, at codon 137 of the LITAF protein (p.Cys137Tyr). This variant is present in population databases (rs144232569, gnomAD 0.004%). This variant has not been reported in the literature in individuals affected with LITAF-related conditions. This missense change has been observed in at least one individual who was not affected with LITAF-related conditions (internal data). ClinVar contains an entry for this variant (Variation ID: 582795). An algorithm developed to predict the effect of missense changes on protein structure and function (PolyPhen-2) suggests that this variant is likely to be disruptive. In summary, the available evidence is currently insufficient to determine the role of this variant in disease. Therefore, it has been classified as a Variant of Uncertain Significance.

Ambry Genetics
Classification: Uncertain significance for Inborn genetic diseases. Last evaluated: 2021-11-29. Review status: criteria provided, single submitter. Criteria: Ambry Variant Classification Scheme 2023. Collection method: clinical testing. Allele origin: germline.
Comment: The p.C137Y variant (also known as c.410G>A), located in coding exon 3 of the LITAF gene, results from a G to A substitution at nucleotide position 410. The cysteine at codon 137 is replaced by tyrosine, an amino acid with highly dissimilar properties. This amino acid position is highly conserved in available vertebrate species. In addition, this alteration is predicted to be deleterious by in silico analysis. Since supporting evidence is limited at this time, the clinical significance of this alteration remains unclear.